The following is an entry in ClinVar:

NM_000709.4(BCKDHA):c.996-18C>T

Gene: BCKDHA (branched chain keto acid dehydrogenase E1 subunit alpha; plus strand). Cytogenetic location: 19q13.2.
Variant type: single nucleotide variant.
Coding change: c.996-18C>T on transcript NM_000709.4 (MANE Select); 18 bases into the intron before coding-DNA position 996, C replaced by T.
Molecular consequence: intron variant.
Genome position (GRCh38, 1-based): chr19:41,422,980, C>T. VCF-style: chr19-41422980-C-T. GRCh37 (hg19) VCF-style: chr19-41928885-C-T.
Other names: c.993-18C>T (NM_001164783.2).
Identifiers: ClinVar variation 379672 (VCV000379672.11), dbSNP rs201511678, ClinGen allele CA9461350.
Genomic context (GRCh38, chr19:41,422,980, plus strand): 5'-TAGTTCATCCCCCATCCTCCCTCCTGACCCCCACTCCAGGGAGCCCACACTGACCTGGGG[C>T]CCCTTGCCCCTGTGCAGGATCGGGCACCACAGCACCAGTGACGACAGTTCAGCGTACCGC-3'

ClinVar aggregate classification (germline): Benign/Likely benign. Review status: criteria provided, multiple submitters, no conflicts (2 of 4 stars). 3 submissions from 3 submitters: Benign (1); Likely benign (2). Last evaluated 2026-02-04.

Conditions:
Maple syrup urine disease (MSUD). Identifiers: Orphanet 511, MedGen C0024776, MeSH D008375, MONDO:0009563. Disease mechanism: loss of function.

Allele frequency attached by ClinVar (database versions not stated): 1000 Genomes Project 30x 0.00078; 1000 Genomes Project 0.00100; TOPMed 0.00262; gnomAD 0.00271; ESP Exome Variant Server 0.00323.
gnomAD v4.1: 701 of 1,606,244 alleles (0.044%); highest among the groups gnomAD compares: African/African-American, 0.81%; 10 homozygotes.

Submissions (3):

Labcorp Genetics (formerly Invitae), Labcorp
Classification: Benign for Maple syrup urine disease. Last evaluated: 2026-02-04. Review status: criteria provided, single submitter. Criteria: Invitae Variant Classification Sherloc (09022015). Collection method: clinical testing. Allele origin: germline.

GeneDx
Classification: Likely benign. Last evaluated: 2016-08-29. Review status: criteria provided, single submitter. Criteria: GeneDx Variant Classification (06012015). Collection method: clinical testing. Allele origin: germline. Affected: yes.
Comment: This variant is considered likely benign or benign based on one or more of the following criteria: it is a conservative change, it occurs at a poorly conserved position in the protein, it is predicted to be benign by multiple in silico algorithms, and/or has population frequency not consistent with disease.

Breakthrough Genomics
Classification: Likely benign. Review status: criteria provided, single submitter. Criteria: ACMG Guidelines, 2015. Collection method: not provided. Allele origin: germline. Inheritance: Autosomal recessive inheritance. Affected: yes.